The following is an entry in ClinVar:

NC_000019.10:g.55999476C>T

Gene: NLRP5 (NLR family pyrin domain containing 5; plus strand). Cytogenetic location: 19q13.43.
Variant type: single nucleotide variant.
Genome position: GRCh38 VCF-style: chr19-55999476-C-T. GRCh37 (hg19) VCF-style: chr19-56510842-C-T.
Identifiers: ClinVar variation 102987 (VCV000102987.2), dbSNP rs199475759, ClinGen allele CA229953.
Genomic context (GRCh38, chr19:55,999,476, plus strand): 5'-ATGTTAGCCAGGCTGGTCTCGACCCCCTGACCTCAGGTGATCTGCCCGCCTCGGCAGTAG[C>T]GTCGTAAGCCTGAGCGCTTGTGTACCGTGACATACTCTTCTGCTCAGGACGTCTCGGTCT-3'

ClinVar aggregate classification (germline): not provided (0 of 4 stars; one submission).

Allele frequency attached by ClinVar (database versions not stated): 1000 Genomes Project 30x 0.00141; TOPMed 0.00334; 1000 Genomes Project 0.00180; gnomAD 0.00278 and 0.00297.
gnomAD v4.1: 417 of 152,078 alleles (0.27%); highest among the groups gnomAD compares: African/African-American, 0.98%; 1 homozygote.

Submission:

Human Evolutionary Genetics, Institut Pasteur
No classification provided. Review status: no classification provided. Collection method: not provided. Allele origin: germline.
ClinVar note: Converted during submission from untested to not provided.